The following is an entry in ClinVar:

NM_052957.5(GCNA):c.477T>C (p.Pro159=)

Gene: GCNA (germ cell nuclear acidic peptidase; plus strand). Cytogenetic location: Xq13.1.
Variant type: single nucleotide variant.
Coding change: c.477T>C on transcript NM_052957.5 (MANE Select); coding-DNA position 477, T replaced by C.
Protein change: p.Pro159=; no amino-acid change (proline 159 retained).
Molecular consequence: synonymous variant.
Genome position (GRCh38, 1-based): chrX:71,603,754, T>C. VCF-style: chrX-71603754-T-C. GRCh37 (hg19) VCF-style: chrX-70823604-T-C.
Identifiers: ClinVar variation 3024813 (VCV003024813.22), dbSNP rs139110831, ClinGen allele CA10448048.
Genomic context (GRCh38, chrX:71,603,754, plus strand): 5'-CGACGACAACAGTGATGATTCAGAAGCTCCCGACGACAACAGTGATGATTCGGAAGCTCC[T>C]GACGACAACAGTGATGATTCGGAAGCTCCCGACGACAACAGTGATGATTCGGAAGCTCCC-3'
Protein context (NP_443189.1, residues 149-169): PDDNSDDSEA[Pro159=]DDNSDDSEAP

ClinVar aggregate classification (germline): Likely benign (1 of 4 stars; one submission).

Allele frequency attached by ClinVar (database versions not stated): ExAC 0.00035; gnomAD 0.00125; ESP Exome Variant Server 0.00634.

Submission:

CeGaT Center for Human Genetics Tuebingen
Classification: Likely benign. Last evaluated: 2023-12-01. Review status: criteria provided, single submitter. Criteria: CeGaT Center For Human Genetics Tuebingen Variant Classification Criteria Version 2. Collection method: clinical testing. Allele origin: germline. Affected: yes. Observed: 1 variant allele.
Comment: GCNA: BP4, BP7, BS2